The following is an entry in ClinVar:

ClinVar aggregate classification (germline): Uncertain significance (1 of 4 stars; one submission).

Conditions:
Emery-Dreifuss muscular dystrophy 5, autosomal dominant (EDMD5). Also called: EMERY-DREIFUSS MUSCULAR DYSTROPHY 5. Identifiers: Orphanet 261, MedGen C2751805, MONDO:0013072, OMIM 612999.

Allele frequency attached by ClinVar (database versions not stated): gnomAD exomes below 0.00001.
gnomAD v4.1: 2 of 1,613,896 alleles (0.00012%); highest among the groups gnomAD compares: Non-Finnish European, 0.00017%; no homozygotes.

Submission:

Labcorp Genetics (formerly Invitae), Labcorp
Classification: Uncertain significance for Emery-Dreifuss muscular dystrophy 5, autosomal dominant. Last evaluated: 2025-06-27. Review status: criteria provided, single submitter. Criteria: Invitae Variant Classification Sherloc (09022015). Collection method: clinical testing. Allele origin: germline.
Comment: This sequence change replaces serine, which is neutral and polar, with arginine, which is basic and polar, at codon 1149 of the SYNE2 protein (p.Ser1149Arg). This variant is not present in population databases (gnomAD no frequency). This variant has not been reported in the literature in individuals affected with SYNE2-related conditions. ClinVar contains an entry for this variant (Variation ID: 842641). An algorithm developed to predict the effect of missense changes on protein structure and function (PolyPhen-2) suggests that this variant is likely to be disruptive. In summary, the available evidence is currently insufficient to determine the role of this variant in disease. Therefore, it has been classified as a Variant of Uncertain Significance.

NM_182914.3(SYNE2):c.3445A>C (p.Ser1149Arg)

Gene: SYNE2 (spectrin repeat containing nuclear envelope protein 2; plus strand). Cytogenetic location: 14q23.2.
Variant type: single nucleotide variant.
Coding change: c.3445A>C on transcript NM_182914.3 (MANE Select); coding-DNA position 3445, A replaced by C.
Protein change: p.Ser1149Arg; replaces serine 1149 with arginine.
Molecular consequence: missense variant.
Genome position (GRCh38, 1-based): chr14:63,999,005, A>C. VCF-style: chr14-63999005-A-C. GRCh37 (hg19) VCF-style: chr14-64465723-A-C.
Other names: c.3445A>C, p.Ser1149Arg (NM_015180.6); short protein forms S1149R.
Identifiers: ClinVar variation 842641 (VCV000842641.9), dbSNP rs2096734093, ClinGen allele CA389991685.